The following is an entry in ClinVar:

ClinVar aggregate classification (germline): Uncertain significance (1 of 4 stars; one submission).

Submission:

Labcorp Genetics (formerly Invitae), Labcorp
Classification: Uncertain significance. Last evaluated: 2024-10-16. Review status: criteria provided, single submitter. Criteria: Invitae Variant Classification Sherloc (09022015). Collection method: clinical testing. Allele origin: germline.
Comment: This sequence change replaces leucine, which is neutral and non-polar, with proline, which is neutral and non-polar, at codon 900 of the ATP2A2 protein (p.Leu900Pro). This variant is not present in population databases (gnomAD no frequency). This missense change has been observed in individual(s) with Darier disease (PMID: 28035777). Invitae Evidence Modeling of protein sequence and biophysical properties (such as structural, functional, and spatial information, amino acid conservation, physicochemical variation, residue mobility, and thermodynamic stability) indicates that this missense variant is expected to disrupt ATP2A2 protein function with a positive predictive value of 80%. This variant disrupts the p.Leu900 amino acid residue in ATP2A2. Other variant(s) that disrupt this residue have been observed in individuals with ATP2A2-related conditions (PMID: 19528419), which suggests that this may be a clinically significant amino acid residue. In summary, the available evidence is currently insufficient to determine the role of this variant in disease. Therefore, it has been classified as a Variant of Uncertain Significance.

Literature cited by the submitters: PubMed 28035777; PubMed 19528419.

NM_170665.4(ATP2A2):c.2699T>C (p.Leu900Pro)

Genes: ATP2A2 (ATPase sarcoplasmic/endoplasmic reticulum Ca2+ transporting 2; plus strand), LOC126861638 (MED14-independent group 3 enhancer GRCh37_chr12:110782389-110783588; plus strand). Cytogenetic location: 12q24.11.
Variant type: single nucleotide variant.
Coding change: c.2699T>C on transcript NM_170665.4 (MANE Select); coding-DNA position 2699, T replaced by C.
Protein change: p.Leu900Pro; replaces leucine 900 with proline.
Molecular consequence: missense variant.
Genome position (GRCh38, 1-based): chr12:110,345,340, T>C. VCF-style: chr12-110345340-T-C. GRCh37 (hg19) VCF-style: chr12-110783145-T-C.
Other names: c.2594T>C, p.Leu865Pro (NM_001413013.1); c.2699T>C, p.Leu900Pro (NM_001413014.1, NM_001681.4); c.2324T>C, p.Leu775Pro (NM_001413015.1); short protein forms L775P, L900P, L865P.
Identifiers: ClinVar variation 3721194 (VCV003721194.2).